The following is an entry in ClinVar:

NM_003153.5(STAT6):c.1880G>A (p.Ser627Asn)

Gene: STAT6 (signal transducer and activator of transcription 6; minus strand). Cytogenetic location: 12q13.3.
Variant type: single nucleotide variant.
Coding change: c.1880G>A on transcript NM_003153.5 (MANE Select); coding-DNA position 1880, G replaced by A.
Protein change: p.Ser627Asn; replaces serine 627 with asparagine.
Molecular consequence: missense variant. On other transcripts: non-coding transcript variant (1).
Genome position (GRCh38, 1-based): chr12:57,099,305, C>T on the plus strand (G>A on the coding strand, the complement: STAT6 is on the minus strand). VCF-style: chr12-57099305-C-T. GRCh37 (hg19) VCF-style: chr12-57493088-C-T.
Other names: c.1880G>A, p.Ser627Asn (NM_001178078.2, NM_001178079.2); c.1550G>A, p.Ser517Asn (NM_001178080.2, NM_001178081.2); short protein forms S627N, S517N.
Identifiers: ClinVar variation 5008547 (VCV005008547.1).

ClinVar aggregate classification (germline): Uncertain significance (1 of 4 stars; one submission).

gnomAD v4.1: 1 of 1,614,160 alleles (0.000062%); highest among the groups gnomAD compares: Admixed American, 0.0017%; no homozygotes.

Submission:

GeneDx
Classification: Uncertain significance. Last evaluated: 2026-02-13. Review status: criteria provided, single submitter. Criteria: GeneDx Variant Classification Process June 2021. Collection method: clinical testing. Allele origin: germline.
Comment: In silico analysis suggests that this missense variant does not alter protein structure/function; Has not been previously published as pathogenic or benign to our knowledge